The following is an entry in ClinVar:

ClinVar aggregate classification (germline): Conflicting classifications of pathogenicity. Review status: criteria provided, conflicting classifications (1 of 4 stars). 2 submissions from 2 submitters: Likely pathogenic (1); Uncertain significance (1). Last evaluated 2024-01-24.

Conditions:
Neonatal pseudo-hydrocephalic progeroid syndrome. Also called: Wiedemann-Rautenstrauch syndrome. Identifiers: Orphanet 3455, MedGen C0406586, MONDO:0009910, OMIM 264090.
Leukodystrophy. Identifiers: Orphanet 68356, MedGen C0023520, MONDO:0019046, HP:0002415.

Allele frequency attached by ClinVar (database versions not stated): gnomAD exomes below 0.00001.
gnomAD v4.1: 1 of 1,613,048 alleles (0.000062%); highest among the groups gnomAD compares: South Asian, 0.0011%; no homozygotes.

Submissions (2):

Broad Center for Mendelian Genomics, Broad Institute of MIT and Harvard
Classification: Uncertain significance for Leukodystrophy. Last evaluated: 2024-01-24. Review status: criteria provided, single submitter. Criteria: ACMG Guidelines, 2015. Collection method: curation. Allele origin: germline. Inheritance: Autosomal recessive inheritance.
Comment: The p.Gly903Arg variant in POLR3A has been reported in 1 individual with POLR3A-related disorders (PMID: 30323018), and has been identified in 0.002% (1/30616) of South Asian chromosomes chromosomes by the Genome Aggregation Database (gnomAD; dbSNP ID: rs1399429058). Although this variant has been seen in the general population in a heterozygous state, its frequency is low enough to be consistent with a recessive carrier frequency. This variant has also been reported in ClinVar (Variation ID#: 549566) and has been interpreted as likely pathogenic by Tartaglia Lab (Genetics and Rare Diseases Research Division, Bambino Gesu' Children's Hospital). Computational prediction tools and conservation analyses suggest that this variant may impact the protein, though this information is not predictive enough to determine pathogenicity. The p.Gly903Arg variant is located in a region of POLR3A that is essential to protein folding and stability, suggesting that this variant is in a hot spot and slightly supports pathogenicity (PMID: 30323018). In summary, the clinical significance of the p.Gly903Argvariant is uncertain. ACMG/AMP Criteria applied: PP3, PM1_supporting, PM2_supporting (Richards 2015).

Tartaglia Lab, Genetics and Rare Diseases Research Division, Bambino Gesu' Children's Hospital
Classification: Likely pathogenic for Neonatal pseudo-hydrocephalic progeroid syndrome. Last evaluated: 2018-04-01. Review status: criteria provided, single submitter. Criteria: ACMG Guidelines, 2015. Collection method: research. Allele origin: germline. Affected: yes.

NM_007055.4(POLR3A):c.2707G>A (p.Gly903Arg)

Gene: POLR3A (RNA polymerase III subunit A; minus strand). Cytogenetic location: 10q22.3.
Variant type: single nucleotide variant.
Coding change: c.2707G>A on transcript NM_007055.4 (MANE Select); coding-DNA position 2707, G replaced by A.
Protein change: p.Gly903Arg; replaces glycine 903 with arginine.
Molecular consequence: missense variant.
Genome position (GRCh38, 1-based): chr10:77,993,277, C>T on the plus strand (G>A on the coding strand, the complement: POLR3A is on the minus strand). VCF-style: chr10-77993277-C-T. GRCh37 (hg19) VCF-style: chr10-79753035-C-T.
Other names: NM_007055.4(POLR3A):c.2707G>A; p.Gly903Arg; short protein forms G903R.
Identifiers: ClinVar variation 549566 (VCV000549566.2), dbSNP rs1399429058, ClinGen allele CA377334268.
Genomic context (GRCh38, chr10:77,993,277, plus strand): 5'-TTTTAAACTCCAAAGGTTCATCTTTTCCCTCCATAGCTGCAGGATCTAAGCCATCTCCTC[C>T]ATAAATGAACTGGATAATATCGCCAGTAGAGCTTCGGACTGTCAGATCATACTGGGAGCA-3'
Protein context (NP_008986.2, residues 893-913): STGDIIQFIY[Gly903Arg]GDGLDPAAME